The following is an entry in ClinVar:

NM_001164508.2(NEB):c.6467C>G (p.Thr2156Ser)

Gene: NEB (nebulin; minus strand). Cytogenetic location: 2q23.3.
Variant type: single nucleotide variant.
Coding change: c.6467C>G on transcript NM_001164508.2 (MANE Select); coding-DNA position 6467, C replaced by G.
Protein change: p.Thr2156Ser; replaces threonine 2156 with serine.
Molecular consequence: missense variant.
Genome position (GRCh38, 1-based): chr2:151,656,181, G>C on the plus strand (C>G on the coding strand, the complement: NEB is on the minus strand). VCF-style: chr2-151656181-G-C. GRCh37 (hg19) VCF-style: chr2-152512695-G-C.
Other names: c.6467C>G, p.Thr2156Ser (NM_001164507.2, NM_001271208.2, NM_004543.5); short protein forms T2156S.
Identifiers: ClinVar variation 2086190 (VCV002086190.4), dbSNP rs1463047743, ClinGen allele CA348798540.

ClinVar aggregate classification (germline): Uncertain significance (1 of 4 stars; one submission).

Conditions:
Nemaline myopathy 2 (NEM2). Also called: Nemaline myopathy 2, autosomal recessive. Identifiers: MedGen C1850569, MONDO:0009725, OMIM 256030.

Submission:

Labcorp Genetics (formerly Invitae), Labcorp
Classification: Uncertain significance for Nemaline myopathy 2. Last evaluated: 2022-07-05. Review status: criteria provided, single submitter. Criteria: Invitae Variant Classification Sherloc (09022015). Collection method: clinical testing. Allele origin: germline.
Comment: In summary, the available evidence is currently insufficient to determine the role of this variant in disease. Therefore, it has been classified as a Variant of Uncertain Significance. This sequence change replaces threonine, which is neutral and polar, with serine, which is neutral and polar, at codon 2156 of the NEB protein (p.Thr2156Ser). This variant is not present in population databases (gnomAD no frequency). This variant has not been reported in the literature in individuals affected with NEB-related conditions. Algorithms developed to predict the effect of missense changes on protein structure and function output the following: SIFT: "Deleterious"; PolyPhen-2: "Not Available"; Align-GVGD: "Class C0". The serine amino acid residue is found in multiple mammalian species, which suggests that this missense change does not adversely affect protein function.